The following is an entry in ClinVar:

ClinVar aggregate classification (germline): Uncertain significance. Review status: criteria provided, multiple submitters, no conflicts (2 of 4 stars). 2 submissions from 2 submitters: Uncertain significance (2). Last evaluated 2025-05-30.

Conditions:
Familial thoracic aortic aneurysm and aortic dissection (TAAD). Also called: Thoracic aortic aneurysms and dissections. Identifiers: Orphanet 91387, MedGen C4707243, MONDO:0019625.
Marfan syndrome (MFS). Also called: FBN1-Related Marfan Syndrome; MARFAN SYNDROME, TYPE I; Marfan syndrome type 1; Marfan's syndrome; Marfan syndrome, classic. Identifiers: Orphanet 284963, Orphanet 558, MedGen C0024796, MONDO:0007947, OMIM 154700.

Submissions (2):

Color Diagnostics, LLC DBA Color Health
Classification: Uncertain significance for Familial thoracic aortic aneurysm and aortic dissection. Last evaluated: 2025-05-30. Review status: criteria provided, single submitter. Criteria: ACMG Guidelines, 2015. Collection method: clinical testing. Allele origin: germline.
Comment: This missense variant replaces methionine with isoleucine at codon 1690 of the FBN1 protein. Computational prediction tool is inconclusive regarding the impact of this variant on protein structure and function. To our knowledge, functional studies have not been reported for this variant. This variant has been reported in an individual affected with Marfan syndrome (PMID: 38958168) This variant has not been identified in the general population by the Genome Aggregation Database (gnomAD). The available evidence is insufficient to determine the role of this variant in disease conclusively. Therefore, this variant is classified as a Variant of Uncertain Significance.

Labcorp Genetics (formerly Invitae), Labcorp
Classification: Uncertain significance for Marfan syndrome; Familial thoracic aortic aneurysm and aortic dissection. Last evaluated: 2025-03-04. Review status: criteria provided, single submitter. Criteria: Invitae Variant Classification Sherloc (09022015). Collection method: clinical testing. Allele origin: germline.
Comment: This sequence change replaces methionine, which is neutral and non-polar, with isoleucine, which is neutral and non-polar, at codon 1690 of the FBN1 protein (p.Met1690Ile). This variant is not present in population databases (gnomAD no frequency). This variant has not been reported in the literature in individuals affected with FBN1-related conditions. Invitae Evidence Modeling of protein sequence and biophysical properties (such as structural, functional, and spatial information, amino acid conservation, physicochemical variation, residue mobility, and thermodynamic stability) has been performed for this missense variant. However, the output from this modeling did not meet the statistical confidence thresholds required to predict the impact of this variant on FBN1 protein function. In summary, the available evidence is currently insufficient to determine the role of this variant in disease. Therefore, it has been classified as a Variant of Uncertain Significance.

Literature cited by the submitters: PubMed 38958168 (cited by Color Diagnostics, LLC DBA Color Health).

NM_000138.5(FBN1):c.5070G>A (p.Met1690Ile)

Gene: FBN1 (fibrillin 1; minus strand). Cytogenetic location: 15q21.1.
Variant type: single nucleotide variant.
Coding change: c.5070G>A on transcript NM_000138.5 (MANE Select); coding-DNA position 5070, G replaced by A.
Protein change: p.Met1690Ile; replaces methionine 1690 with isoleucine.
Molecular consequence: missense variant.
Genome position (GRCh38, 1-based): chr15:48,463,236, C>T on the plus strand (G>A on the coding strand, the complement: FBN1 is on the minus strand). VCF-style: chr15-48463236-C-T. GRCh37 (hg19) VCF-style: chr15-48755433-C-T.
Other names: c.5070G>A, p.Met1690Ile (NM_001406716.1); short protein forms M1690I.
Identifiers: ClinVar variation 4758682 (VCV004758682.2).